The following is an entry in ClinVar:

ClinVar aggregate classification (germline): Uncertain significance (1 of 4 stars; one submission).

Conditions:
Hereditary cancer-predisposing syndrome. Also called: Hereditary Cancer Syndrome; Hereditary neoplastic syndrome; Neoplastic Syndromes, Hereditary; Tumor predisposition. Identifiers: Orphanet 140162, MedGen C0027672, MeSH D009386, MONDO:0015356.

Submission:

Ambry Genetics
Classification: Uncertain significance for Hereditary cancer-predisposing syndrome. Last evaluated: 2022-02-26. Review status: criteria provided, single submitter. Criteria: Ambry Variant Classification Scheme 2023. Collection method: clinical testing. Allele origin: germline.
Comment: The p.P475R variant (also known as c.1424C>G), located in coding exon 12 of the SUFU gene, results from a C to G substitution at nucleotide position 1424. The proline at codon 475 is replaced by arginine, an amino acid with dissimilar properties. This amino acid position is conserved. In addition, this alteration is predicted to be deleterious by in silico analysis. Since supporting evidence is limited at this time, the clinical significance of this alteration remains unclear.

NM_016169.4(SUFU):c.1424C>G (p.Pro475Arg)

Gene: SUFU (SUFU negative regulator of hedgehog signaling; plus strand). Cytogenetic location: 10q24.32.
Variant type: single nucleotide variant.
Coding change: c.1424C>G on transcript NM_016169.4 (MANE Select); coding-DNA position 1424, C replaced by G.
Protein change: p.Pro475Arg; replaces proline 475 with arginine.
Molecular consequence: missense variant.
Genome position (GRCh38, 1-based): chr10:102,630,124, C>G. VCF-style: chr10-102630124-C-G. GRCh37 (hg19) VCF-style: chr10-104389881-C-G.
Other names: short protein forms P475R.
Identifiers: ClinVar variation 1772329 (VCV001772329.2), dbSNP rs1267387394, ClinGen allele CA377920989.